The following is an entry in ClinVar:

ClinVar aggregate classification (germline): Likely benign (0 of 4 stars; one submission).

Conditions:
VPS33B-related disorder. Also called: VPS33B-related condition.

Submission:

PreventionGenetics, part of Exact Sciences
Classification: Likely benign for VPS33B-related condition. Last evaluated: 2022-03-01. Review status: no assertion criteria provided. Collection method: clinical testing. Allele origin: germline.
Comment: This variant is classified as likely benign based on ACMG/AMP sequence variant interpretation guidelines (Richards et al. 2015 PMID: 25741868, with internal and published modifications).

NM_018668.5(VPS33B):c.894T>C (p.Phe298=)

Gene: VPS33B (VPS33B late endosome and lysosome associated; minus strand). Cytogenetic location: 15q26.1.
Variant type: single nucleotide variant.
Coding change: c.894T>C on transcript NM_018668.5 (MANE Select); coding-DNA position 894, T replaced by C.
Protein change: p.Phe298=; no amino-acid change (phenylalanine 298 retained).
Molecular consequence: synonymous variant.
Genome position (GRCh38, 1-based): chr15:91,006,018, A>G on the plus strand (T>C on the coding strand, the complement: VPS33B is on the minus strand). VCF-style: chr15-91006018-A-G. GRCh37 (hg19) VCF-style: chr15-91549248-A-G.
Other names: c.813T>C, p.Phe271= (NM_001289148.1); c.621T>C, p.Phe207= (NM_001289149.1).
Identifiers: ClinVar variation 3061668 (VCV003061668.2), dbSNP rs2040592605, ClinGen allele CA492172100.